The following is an entry in ClinVar:

ClinVar aggregate classification (germline): Conflicting classifications of pathogenicity. Review status: criteria provided, conflicting classifications (1 of 4 stars). 5 submissions from 5 submitters: Uncertain significance (3); Likely benign (2). Last evaluated 2025-08-12.

Conditions:
Hypercalcemia, infantile, 1 (HCINF1). Identifiers: Orphanet 300547, MedGen CN031131, MONDO:0020739, OMIM 143880.
CYP24A1-related disorder. Also called: CYP24A1-related condition.

Allele frequency attached by ClinVar (database versions not stated): ESP Exome Variant Server 0.00085; ExAC 0.00040; gnomAD 0.00041 and 0.00042; TOPMed 0.00041.
gnomAD v4.1: 975 of 1,614,042 alleles (0.06%); highest among the groups gnomAD compares: Non-Finnish European, 0.076%; no homozygotes.

Submissions (5):

Labcorp Genetics (formerly Invitae), Labcorp
Classification: Likely benign. Last evaluated: 2025-08-12. Review status: criteria provided, single submitter. Criteria: Invitae Variant Classification Sherloc (09022015). Collection method: clinical testing. Allele origin: germline.

PreventionGenetics, part of Exact Sciences
Classification: Likely benign for CYP24A1-related condition. Last evaluated: 2025-01-27. Review status: criteria provided, single submitter. Criteria: ACMG Guidelines, 2015. Collection method: clinical testing. Allele origin: germline.
Comment: This variant is classified as likely benign based on ACMG/AMP sequence variant interpretation guidelines (Richards et al. 2015 PMID: 25741868, with internal and published modifications).

Blueprint Genetics
Classification: Uncertain significance. Last evaluated: 2024-10-18. Review status: criteria provided, single submitter. Criteria: ACMG Guidelines, 2015. Collection method: clinical testing. Allele origin: germline.

Department of Pathology and Laboratory Medicine, Sinai Health System
Classification: Uncertain significance for hypercalcemia, infantile, 1. Last evaluated: 2022-01-25. Review status: criteria provided, single submitter. Criteria: ACMG Guidelines, 2015. Collection method: research. Allele origin: germline.

Illumina Laboratory Services, Illumina
Classification: Uncertain significance for Hypercalcemia, infantile, 1. Last evaluated: 2017-04-28. Review status: criteria provided, single submitter. Criteria: ICSL Variant Classification Criteria 13 December 2019. Collection method: clinical testing. Allele origin: germline.
Comment: This variant was observed as part of a predisposition screen in an ostensibly healthy population. A literature search was performed for the gene, cDNA change, and amino acid change (where applicable). Publications were found based on this search. However, the evidence from the literature, in combination with allele frequency data from public databases where available, was not sufficient to rule this variant in or out of causing disease. Therefore, this variant is classified as a variant of unknown significance.

Literature cited by the submitters: PubMed 19961857 (cited by Illumina Laboratory Services, Illumina); PubMed 27394135 (cited by Illumina Laboratory Services, Illumina).

NM_000782.5(CYP24A1):c.735G>A (p.Met245Ile)

Gene: CYP24A1 (cytochrome P450 family 24 subfamily A member 1; minus strand). Cytogenetic location: 20q13.2.
Variant type: single nucleotide variant.
Coding change: c.735G>A on transcript NM_000782.5 (MANE Select); coding-DNA position 735, G replaced by A.
Protein change: p.Met245Ile; replaces methionine 245 with isoleucine.
Molecular consequence: missense variant.
Genome position (GRCh38, 1-based): chr20:54,164,561, C>T on the plus strand (G>A on the coding strand, the complement: CYP24A1 is on the minus strand). VCF-style: chr20-54164561-C-T. GRCh37 (hg19) VCF-style: chr20-52781100-C-T.
Other names: c.735G>A, p.Met245Ile (NM_001128915.2); short protein forms M245I.
Identifiers: ClinVar variation 898600 (VCV000898600.15), dbSNP rs114930663, ClinGen allele CA9916015.